The following is an entry in ClinVar:

NM_001330691.3(CEP78):c.1539G>A (p.Met513Ile)

Gene: CEP78 (centrosomal protein 78; plus strand). Cytogenetic location: 9q21.2.
Variant type: single nucleotide variant.
Coding change: c.1539G>A on transcript NM_001330691.3 (MANE Select); coding-DNA position 1539, G replaced by A.
Protein change: p.Met513Ile; replaces methionine 513 with isoleucine.
Molecular consequence: missense variant.
Genome position (GRCh38, 1-based): chr9:78,264,230, G>A. VCF-style: chr9-78264230-G-A. GRCh37 (hg19) VCF-style: chr9-80879146-G-A.
Other names: c.1542G>A, p.Met514Ile (NM_001098802.3, NM_001349839.2, NM_001349840.2 and 1 more transcripts); c.1539G>A, p.Met513Ile (NM_001330693.3, NM_001330694.2, NM_001349838.2); short protein forms M514I, M513I.
Identifiers: ClinVar variation 1479145 (VCV001479145.6), dbSNP rs1391674031, ClinGen allele CA373864355.

ClinVar aggregate classification (germline): Uncertain significance (1 of 4 stars; one submission).

Allele frequency attached by ClinVar (database versions not stated): gnomAD exomes 0.00001; TOPMed 0.00001; gnomAD 0.00002.
gnomAD v4.1: 12 of 1,610,174 alleles (0.00075%); highest among the groups gnomAD compares: African/African-American, 0.0054%; no homozygotes.

Submission:

Labcorp Genetics (formerly Invitae), Labcorp
Classification: Uncertain significance. Last evaluated: 2025-07-28. Review status: criteria provided, single submitter. Criteria: Invitae Variant Classification Sherloc (09022015). Collection method: clinical testing. Allele origin: germline.
Comment: This sequence change replaces methionine, which is neutral and non-polar, with isoleucine, which is neutral and non-polar, at codon 514 of the CEP78 protein (p.Met514Ile). This variant is present in population databases (no rsID available, gnomAD 0.007%). This variant has not been reported in the literature in individuals affected with CEP78-related conditions. ClinVar contains an entry for this variant (Variation ID: 1479145). Invitae Evidence Modeling of protein sequence and biophysical properties (such as structural, functional, and spatial information, amino acid conservation, physicochemical variation, residue mobility, and thermodynamic stability) indicates that this missense variant is not expected to disrupt CEP78 protein function with a negative predictive value of 80%. In summary, the available evidence is currently insufficient to determine the role of this variant in disease. Therefore, it has been classified as a Variant of Uncertain Significance.